The following is an entry in ClinVar:

NM_003000.3(SDHB):c.540+5T>C

Gene: SDHB (succinate dehydrogenase complex iron sulfur subunit B; minus strand). Cytogenetic location: 1p36.13.
Variant type: single nucleotide variant.
Coding change: c.540+5T>C on transcript NM_003000.3 (MANE Select); 5 bases into the intron after coding-DNA position 540, T replaced by C.
Molecular consequence: intron variant.
Genome position (GRCh38, 1-based): chr1:17,027,744, A>G on the plus strand (T>C on the coding strand, the complement: SDHB is on the minus strand). VCF-style: chr1-17027744-A-G. GRCh37 (hg19) VCF-style: chr1-17354239-A-G.
Identifiers: ClinVar variation 578517 (VCV000578517.8), dbSNP rs1557741072, ClinGen allele CA891842430.

ClinVar aggregate classification (germline): Uncertain significance (1 of 4 stars; one submission).

Conditions:
Pheochromocytoma. Also called: MAX-Related Hereditary Paraganglioma-Pheochromocytoma Syndrome. Identifiers: Orphanet 29072, MedGen C0031511, MONDO:0008233, OMIM 171300, HP:0002666.
Pheochromocytoma/paraganglioma syndrome 4. Also called: PARAGANGLIOMA, FAMILIAL MALIGNANT; PARAGANGLIOMAS, HEREDITARY EXTRAADRENAL; PHEOCHROMOCYTOMA, FAMILIAL EXTRAADRENAL; SDHB-Related Hereditary Paraganglioma-Pheochromocytoma Syndrome (Paragangliomas 4); CAROTID BODY TUMORS AND MULTIPLE EXTRAADRENAL PHEOCHROMOCYTOMAS; SDHB-Related Hereditary Paraganglioma-Pheochromocytoma Syndrome. Identifiers: Orphanet 29072, MedGen C1861848, MONDO:0007273, OMIM 115310.
Gastrointestinal stromal tumor. Also called: Gastrointestinal stromal tumor, somatic; Gastrointestinal stroma tumor. Identifiers: Orphanet 44890, MedGen C0238198, MeSH D046152, MONDO:0011719, OMIM 606764, HP:0100723.

Allele frequency attached by ClinVar (database versions not stated): gnomAD exomes below 0.00001.
gnomAD v4.1: 1 of 1,482,598 alleles (0.000067%); highest among the groups gnomAD compares: Non-Finnish European, 0.000094%; no homozygotes.

Submission:

Labcorp Genetics (formerly Invitae), Labcorp
Classification: Uncertain significance for Gastrointestinal stromal tumor; Pheochromocytoma/paraganglioma syndrome 4; Pheochromocytoma. Last evaluated: 2019-10-19. Review status: criteria provided, single submitter. Criteria: Invitae Variant Classification Sherloc (09022015). Collection method: clinical testing. Allele origin: germline.
Comment: This variant is not present in population databases (ExAC no frequency). This sequence change falls in intron 5 of the SDHB gene. It does not directly change the encoded amino acid sequence of the SDHB protein. This variant has not been reported in the literature in individuals with SDHB-related disease. Algorithms developed to predict the effect of sequence changes on RNA splicing suggest that this variant is not likely to affect RNA splicing, but this prediction has not been confirmed by published transcriptional studies. In summary, the available evidence is currently insufficient to determine the role of this variant in disease. Therefore, it has been classified as a Variant of Uncertain Significance.